The following is an entry in ClinVar:

ClinVar aggregate classification (germline): Uncertain significance (1 of 4 stars; one submission).

Submission:

GeneDx
Classification: Uncertain significance. Last evaluated: 2016-10-03. Review status: criteria provided, single submitter. Criteria: GeneDx Variant Classification (06012015). Collection method: clinical testing. Allele origin: germline. Affected: yes.
Comment: The E1108D variant in the ATP8A2 gene has not been reported previously as a pathogenic variant, nor as a benign variant, to our knowledge. The E1108D variant was not observed in approximately 6100 individuals of European and African American ancestry in the NHLBI Exome Sequencing Project, indicating it is not a common benign variant in these populations. The E1108D variant is a conservative amino acid substitution, which is not likely to impact secondary protein structure as these residues share similar properties. This substitution occurs at a position that is conserved across species. In silico analysis is inconsistent in its predictions as to whether or not the variant is damaging to the protein structure/function. We interpret E1108D as a variant of uncertain significance.

NM_016529.6(ATP8A2):c.3324A>C (p.Glu1108Asp)

Gene: ATP8A2 (ATPase phospholipid transporting 8A2). Cytogenetic location: 13q12.13.
Variant type: single nucleotide variant.
Coding change: c.3324A>C on transcript NM_016529.6 (MANE Select); coding-DNA position 3324, A replaced by C.
Protein change: p.Glu1108Asp; replaces glutamic acid 1108 with aspartic acid.
Molecular consequence: missense variant.
Genome position (GRCh38, 1-based): chr13:25,968,626, A>C. VCF-style: chr13-25968626-A-C. GRCh37 (hg19) VCF-style: chr13-26542764-A-C.
Other names: c.3129A>C, p.Glu1043Asp (NM_001313741.1); short protein forms E1108D, E1043D.
Identifiers: ClinVar variation 389600 (VCV000389600.2), dbSNP rs1057523483, ClinGen allele CA16606754.
Genomic context (GRCh38, chr13:25,968,626, plus strand): 5'-ATAACACAGAGCCAAGCACACCTGCAAAAAGACATTGCTGGAGGAGGTGCAGGAGCTGGA[A>C]ACCAAGTCTCGAGTCCTGGGAAAAGCGGTGCTGCGGGATAGCAATGGAAAGAGGTGGGGA-3'
Protein context (NP_057613.4, residues 1098-1118): KTLLEEVQEL[Glu1108Asp]TKSRVLGKAV